The following is an entry in ClinVar:

ClinVar aggregate classification (germline): Pathogenic (1 of 4 stars; one submission).

Conditions:
Lynch syndrome 5 (LYNCH5). Also called: Colorectal cancer, hereditary nonpolyposis, type 5; Hereditary non-polyposis colorectal cancer, type 5. Identifiers: Orphanet 144, MedGen C1833477, MONDO:0013710, OMIM 614350. Disease mechanism: loss of function.

Submission:

Myriad Genetics, Inc.
Classification: Pathogenic for Lynch syndrome 5. Last evaluated: 2023-08-15. Review status: criteria provided, single submitter. Criteria: Myriad Autosomal Dominant, Autosomal Recessive and X-Linked Classification Criteria (2023). Collection method: clinical testing. Allele origin: unknown.
Comment: This variant is considered pathogenic. This variant creates a frameshift predicted to result in premature protein truncation.

NM_000179.3(MSH6):c.1742_1743del (p.Arg581fs)

Gene: MSH6 (mutS homolog 6; plus strand). Cytogenetic location: 2p16.3.
Variant type: Microsatellite.
Coding change: c.1742_1743del on transcript NM_000179.3 (MANE Select); coding-DNA positions 1742 to 1743, 2 bases deleted (GA; older notation c.1742_1743delGA).
Protein change: p.Arg581fs; shifts the reading frame from arginine 581.
Molecular consequence: frameshift variant. On other transcripts: non-coding transcript variant (4), intron variant (2).
Genome position (GRCh38, 1-based): chr2:47,799,725-47,799,726, GA deleted; deleting any 2 consecutive bases within chr2:47,799,723-47,799,726 gives the same sequence; the c. name uses the placement nearest the transcript's 3' end. VCF-style (leftmost placement, unchanged base first): chr2-47799722-CGA-C. GRCh37 (hg19) VCF-style: chr2-48026861-CGA-C.
Other names: c.1352_1353del, p.Arg451fs (NM_001281492.2); c.836_837del, p.Arg279fs (NM_001281493.2, NM_001281494.2, NM_001406811.1 and 6 more transcripts); c.1838_1839del, p.Arg613fs (NM_001406795.1, NM_001406802.1); c.1742_1743del, p.Arg581fs (NM_001406796.1, NM_001406798.1, NM_001406800.1 and 3 more transcripts); c.1445_1446del, p.Arg482fs (NM_001406797.1, NM_001406801.1, NM_001406805.1 and 10 more transcripts); c.1217_1218del, p.Arg406fs (NM_001406799.1, NM_001406806.1, NM_001406807.1); c.1664_1665del, p.Arg555fs (NM_001406804.1); c.1748_1749del, p.Arg583fs (NM_001406813.1); and 3 more; short protein forms R279fs, R406fs, R451fs, R482fs, R525fs, R555fs, R581fs, R583fs.
Identifiers: ClinVar variation 2673674 (VCV002673674.1), dbSNP rs2530627385, ClinGen allele CA2695200621.